The following is an entry in ClinVar:

NM_032242.4(PLXNA1):c.4509+7G>C

Gene: PLXNA1 (plexin A1; plus strand). Cytogenetic location: 3q21.3.
Variant type: single nucleotide variant.
Coding change: c.4509+7G>C on transcript NM_032242.4 (MANE Select); 7 bases into the intron after coding-DNA position 4509, G replaced by C.
Molecular consequence: intron variant.
Genome position (GRCh38, 1-based): chr3:127,028,093, G>C. VCF-style: chr3-127028093-G-C. GRCh37 (hg19) VCF-style: chr3-126746936-G-C.
Identifiers: ClinVar variation 3354402 (VCV003354402.1).
Genomic context (GRCh38, chr3:127,028,093, plus strand): 5'-TACTCCCTGAGTGAGGACAAGCTCATCCGGCAGCAGATTGACTACAAGACACTGGTGAGC[G>C]TGGCTGCCCTCTGTCCTGGGTGCCCTGGTGCCCCCCACCCCCCAGTTGTGGGGCTGACGC-3'

ClinVar aggregate classification (germline): Likely benign (0 of 4 stars; one submission).

Conditions:
PLXNA1-related disorder. Also called: PLXNA1-related condition.

gnomAD v4.1: 30 of 1,613,922 alleles (0.0019%); highest among the groups gnomAD compares: Middle Eastern, 0.066%; no homozygotes.

Submission:

PreventionGenetics, part of Exact Sciences
Classification: Likely benign for PLXNA1-related condition. Last evaluated: 2024-08-08. Review status: no assertion criteria provided. Collection method: clinical testing. Allele origin: germline.
Comment: This variant is classified as likely benign based on ACMG/AMP sequence variant interpretation guidelines (Richards et al. 2015 PMID: 25741868, with internal and published modifications).